The following is an entry in ClinVar:

NM_000094.4(COL7A1):c.348C>A (p.Asn116Lys)

Gene: COL7A1 (collagen type VII alpha 1 chain; minus strand). Cytogenetic location: 3p21.31.
Variant type: single nucleotide variant.
Coding change: c.348C>A on transcript NM_000094.4 (MANE Select); coding-DNA position 348, C replaced by A.
Protein change: p.Asn116Lys; replaces asparagine 116 with lysine.
Molecular consequence: missense variant.
Genome position (GRCh38, 1-based): chr3:48,593,615, G>T on the plus strand (C>A on the coding strand, the complement: COL7A1 is on the minus strand). VCF-style: chr3-48593615-G-T. GRCh37 (hg19) VCF-style: chr3-48631048-G-T.
Other names: short protein forms N116K.
Identifiers: ClinVar variation 3022743 (VCV003022743.3), dbSNP rs773412676, ClinGen allele CA2381574.

ClinVar aggregate classification (germline): Uncertain significance (1 of 4 stars; one submission).

Allele frequency attached by ClinVar (database versions not stated): TOPMed below 0.00001; ExAC 0.00001; gnomAD 0.00001.
gnomAD v4.1: 10 of 1,614,096 alleles (0.00062%); highest among the groups gnomAD compares: Non-Finnish European, 0.00085%; no homozygotes.

Submission:

Labcorp Genetics (formerly Invitae), Labcorp
Classification: Uncertain significance. Last evaluated: 2024-07-15. Review status: criteria provided, single submitter. Criteria: Invitae Variant Classification Sherloc (09022015). Collection method: clinical testing. Allele origin: germline.
Comment: This sequence change replaces asparagine, which is neutral and polar, with lysine, which is basic and polar, at codon 116 of the COL7A1 protein (p.Asn116Lys). This variant is present in population databases (rs773412676, gnomAD 0.0009%). This variant has not been reported in the literature in individuals affected with COL7A1-related conditions. Advanced modeling of protein sequence and biophysical properties (such as structural, functional, and spatial information, amino acid conservation, physicochemical variation, residue mobility, and thermodynamic stability) has been performed at Invitae for this missense variant, however the output from this modeling did not meet the statistical confidence thresholds required to predict the impact of this variant on COL7A1 protein function. In summary, the available evidence is currently insufficient to determine the role of this variant in disease. Therefore, it has been classified as a Variant of Uncertain Significance.